The following is an entry in ClinVar:

ClinVar aggregate classification (germline): Uncertain significance (1 of 4 stars; one submission).

Conditions:
Congenital myasthenic syndrome 20. Also called: Myasthenic syndrome, congenital, 20, presynaptic. Identifiers: MedGen C4310694, MONDO:0014939, OMIM 617143.
Neuronopathy, distal hereditary motor, type 7A. Also called: Neuronopathy, distal hereditary motor, type viia; HARPER-YOUNG MYOPATHY; HMN VIIA; NEURONOPATHY, DISTAL HEREDITARY MOTOR, HARDING TYPE VIIA; NEUROPATHY, DISTAL HEREDITARY MOTOR, HARDING TYPE VIIA; Neuronopathy, distal hereditary motor, autosomal dominant 7. Identifiers: Orphanet 139589, MedGen C1834703, MONDO:0008024, OMIM 158580.

gnomAD v4.1: 1 of 1,613,808 alleles (0.000062%); highest among the groups gnomAD compares: African/African-American, 0.0013%; no homozygotes.

Submission:

Labcorp Genetics (formerly Invitae), Labcorp
Classification: Uncertain significance for Neuronopathy, distal hereditary motor, type 7A; Congenital myasthenic syndrome 20. Last evaluated: 2023-05-21. Review status: criteria provided, single submitter. Criteria: Invitae Variant Classification Sherloc (09022015). Collection method: clinical testing. Allele origin: germline.
Comment: This variant is not present in population databases (gnomAD no frequency). This sequence change replaces isoleucine, which is neutral and non-polar, with methionine, which is neutral and non-polar, at codon 201 of the SLC5A7 protein (p.Ile201Met). This variant has not been reported in the literature in individuals affected with SLC5A7-related conditions. In summary, the available evidence is currently insufficient to determine the role of this variant in disease. Therefore, it has been classified as a Variant of Uncertain Significance. Advanced modeling of protein sequence and biophysical properties (such as structural, functional, and spatial information, amino acid conservation, physicochemical variation, residue mobility, and thermodynamic stability) performed at Invitae indicates that this missense variant is not expected to disrupt SLC5A7 protein function.

NM_021815.5(SLC5A7):c.603C>G (p.Ile201Met)

Gene: SLC5A7 (solute carrier family 5 member 7; plus strand). Cytogenetic location: 2q12.3.
Variant type: single nucleotide variant.
Coding change: c.603C>G on transcript NM_021815.5 (MANE Select); coding-DNA position 603, C replaced by G.
Protein change: p.Ile201Met; replaces isoleucine 201 with methionine.
Molecular consequence: missense variant. On other transcripts: intron variant (1).
Genome position (GRCh38, 1-based): chr2:108,001,902, C>G. VCF-style: chr2-108001902-C-G. GRCh37 (hg19) VCF-style: chr2-108618358-C-G.
Other names: c.603C>G, p.Ile201Met (NM_001305005.3); c.288C>G, p.Ile96Met (NM_001305006.3); c.-107-32C>G (NM_001305007.3); short protein forms I96M, I201M.
Identifiers: ClinVar variation 2932580 (VCV002932580.3), dbSNP rs571755969, ClinGen allele CA348112716.